The following is an entry in ClinVar:

ClinVar aggregate classification (germline): Uncertain significance. Review status: criteria provided, multiple submitters, no conflicts (2 of 4 stars). 2 submissions from 2 submitters: Uncertain significance (2). Last evaluated 2025-05-17.

Conditions:
Hypertrophic cardiomyopathy. Also called: HYPERTROPHIC MYOCARDIOPATHY. Identifiers: Orphanet 217569, MedGen C0007194, MeSH D002312, MONDO:0005045, HP:0001639.

gnomAD v4.1: 15 of 1,613,800 alleles (0.00093%); highest among the groups gnomAD compares: Admixed American, 0.025%; no homozygotes.

Submissions (2):

Ambry Genetics
Classification: Uncertain significance. Last evaluated: 2025-05-17. Review status: criteria provided, single submitter. Criteria: Ambry Variant Classification Scheme 2023. Collection method: clinical testing. Allele origin: germline.

Labcorp Genetics (formerly Invitae), Labcorp
Classification: Uncertain significance for Hypertrophic cardiomyopathy. Last evaluated: 2024-10-05. Review status: criteria provided, single submitter. Criteria: Invitae Variant Classification Sherloc (09022015). Collection method: clinical testing. Allele origin: germline.
Comment: This sequence change replaces proline, which is neutral and non-polar, with alanine, which is neutral and non-polar, at codon 116 of the MYOM1 protein (p.Pro116Ala). This variant is present in population databases (rs778477085, gnomAD 0.03%). This variant has not been reported in the literature in individuals affected with MYOM1-related conditions. An algorithm developed to predict the effect of missense changes on protein structure and function outputs the following: PolyPhen-2: "Benign". The alanine amino acid residue is found in multiple mammalian species, which suggests that this missense change does not adversely affect protein function. In summary, the available evidence is currently insufficient to determine the role of this variant in disease. Therefore, it has been classified as a Variant of Uncertain Significance.

NM_003803.4(MYOM1):c.346C>G (p.Pro116Ala)

Gene: MYOM1 (myomesin 1; minus strand). Cytogenetic location: 18p11.31.
Variant type: single nucleotide variant.
Coding change: c.346C>G on transcript NM_003803.4 (MANE Select); coding-DNA position 346, C replaced by G.
Protein change: p.Pro116Ala; replaces proline 116 with alanine.
Molecular consequence: missense variant.
Genome position (GRCh38, 1-based): chr18:3,193,903, G>C on the plus strand (C>G on the coding strand, the complement: MYOM1 is on the minus strand). VCF-style: chr18-3193903-G-C. GRCh37 (hg19) VCF-style: chr18-3193901-G-C.
Other names: c.346C>G, p.Pro116Ala (NM_019856.2); short protein forms P116A.
Identifiers: ClinVar variation 3666625 (VCV003666625.3).